The following is an entry in ClinVar:

NM_005219.5(DIAPH1):c.1748C>G (p.Pro583Arg)

Gene: DIAPH1 (diaphanous related formin 1; minus strand). Cytogenetic location: 5q31.3.
Variant type: single nucleotide variant.
Coding change: c.1748C>G on transcript NM_005219.5 (MANE Select); coding-DNA position 1748, C replaced by G.
Protein change: p.Pro583Arg; replaces proline 583 with arginine.
Molecular consequence: missense variant.
Genome position (GRCh38, 1-based): chr5:141,574,102, G>C on the plus strand (C>G on the coding strand, the complement: DIAPH1 is on the minus strand). VCF-style: chr5-141574102-G-C. GRCh37 (hg19) VCF-style: chr5-140953669-G-C.
Other names: c.1721C>G, p.Pro574Arg (NM_001079812.3); c.1748C>G, p.Pro583Arg (NM_001314007.2); short protein forms P574R, P583R.
Identifiers: ClinVar variation 542358 (VCV000542358.22), dbSNP rs201719002, ClinGen allele CA3479219.
Genomic context (GRCh38, chr5:141,574,102, plus strand): 5'-CCAGGAGCAGGTGGTGGTGGAATAATAGTGCCAGAGTCACCAGGTAAAGGAGGGGCAGGG[G>C]GAACAGGAGCACGACTAGGAACAGAAGGAGGTACAGTAATAGCTGCCGCAGAGAGGGAAG-3'
Protein context (NP_005210.3, residues 573-593): PPSVPSRAPV[Pro583Arg]PAPPLPGDSG

ClinVar aggregate classification (germline): Conflicting classifications of pathogenicity. Review status: criteria provided, conflicting classifications (1 of 4 stars). 6 submissions from 6 submitters: Uncertain significance (3); Likely benign (2). 1 of the submissions does not count toward it. Last evaluated 2025-10-02.

Conditions:
Autosomal dominant nonsyndromic hearing loss 1. Also called: KONIGSMARK SYNDROME; DEAFNESS, AUTOSOMAL DOMINANT 1, WITH OR WITHOUT THROMBOCYTOPENIA. Identifiers: Orphanet 90635, MedGen C1852282, MONDO:0007424, OMIM 124900.
Progressive microcephaly-seizures-cortical blindness-developmental delay syndrome. Also called: Seizures, cortical blindness, and microcephaly syndrome. Identifiers: Orphanet 477814, MedGen C5567650, MONDO:0014714, OMIM 616632.
DIAPH1-related disorder. Also called: DIAPH1-related condition.
Inborn genetic diseases. Identifiers: MedGen C0950123, MeSH D030342.

Allele frequency attached by ClinVar (database versions not stated): gnomAD exomes 0.00009; ExAC 0.00011; TOPMed 0.00050; gnomAD 0.00052 and 0.00055; ESP Exome Variant Server 0.00072; 1000 Genomes Project 0.00100; 1000 Genomes Project 30x 0.00125.
gnomAD v4.1: 133 of 1,613,926 alleles (0.0082%); highest among the groups gnomAD compares: African/African-American, 0.17%; no homozygotes.

Submissions (6):

Labcorp Genetics (formerly Invitae), Labcorp
Classification: Uncertain significance for Progressive microcephaly-seizures-cortical blindness-developmental delay syndrome; Autosomal dominant nonsyndromic hearing loss 1. Last evaluated: 2025-10-02. Review status: criteria provided, single submitter. Criteria: Invitae Variant Classification Sherloc (09022015). Collection method: clinical testing. Allele origin: germline.
Comment: This sequence change replaces proline, which is neutral and non-polar, with arginine, which is basic and polar, at codon 583 of the DIAPH1 protein (p.Pro583Arg). This variant is present in population databases (rs201719002, gnomAD 0.2%). This variant has not been reported in the literature in individuals affected with DIAPH1-related conditions. ClinVar contains an entry for this variant (Variation ID: 542358). Experimental studies and prediction algorithms are not available or were not evaluated, and the functional significance of this variant is currently unknown. In summary, the available evidence is currently insufficient to determine the role of this variant in disease. Therefore, it has been classified as a Variant of Uncertain Significance.

CeGaT Center for Human Genetics Tuebingen
Classification: Likely benign. Last evaluated: 2025-09-01. Review status: criteria provided, single submitter. Criteria: CeGaT Center For Human Genetics Tuebingen Variant Classification Criteria Version 2. Collection method: clinical testing. Allele origin: germline. Affected: yes. Observed: 1 variant allele.
Comment: DIAPH1: BP4

Ambry Genetics
Classification: Uncertain significance for Inborn genetic diseases. Last evaluated: 2024-08-29. Review status: criteria provided, single submitter. Criteria: Ambry Variant Classification Scheme 2023. Collection method: clinical testing. Allele origin: germline.

GeneDx
Classification: Likely benign. Last evaluated: 2021-10-05. Review status: criteria provided, single submitter. Criteria: GeneDx Variant Classification Process June 2021. Collection method: clinical testing. Allele origin: germline. Affected: yes.
Comment: See Variant Classification Assertion Criteria.

Breakthrough Genomics
Classification: Uncertain significance. Review status: criteria provided, single submitter. Criteria: ACMG Guidelines, 2015. Collection method: not provided. Allele origin: germline. Inheritance: Autosomal recessive inheritance. Affected: yes.

PreventionGenetics, part of Exact Sciences
Classification: Likely benign for DIAPH1-related condition. Last evaluated: 2023-05-10. Review status: no assertion criteria provided. Collection method: clinical testing. Allele origin: germline. Not counted in ClinVar's aggregate classification.
Comment: This variant is classified as likely benign based on ACMG/AMP sequence variant interpretation guidelines (Richards et al. 2015 PMID: 25741868, with internal and published modifications).